The following is an entry in ClinVar:

NM_005732.4(RAD50):c.1051+5G>A

Gene: RAD50 (RAD50 double strand break repair protein; plus strand). Cytogenetic location: 5q31.1.
Variant type: single nucleotide variant.
Coding change: c.1051+5G>A on transcript NM_005732.4 (MANE Select); 5 bases into the intron after coding-DNA position 1051, G replaced by A.
Molecular consequence: intron variant.
Genome position (GRCh38, 1-based): chr5:132,588,094, G>A. VCF-style: chr5-132588094-G-A. GRCh37 (hg19) VCF-style: chr5-131923786-G-A.
Identifiers: ClinVar variation 822077 (VCV000822077.13), dbSNP rs756795228, ClinGen allele CA3405080.

ClinVar aggregate classification (germline): Uncertain significance. Review status: criteria provided, multiple submitters, no conflicts (2 of 4 stars). 2 submissions from 2 submitters: Uncertain significance (2). Last evaluated 2026-02-11.

Conditions:
Hereditary cancer-predisposing syndrome. Also called: Tumor predisposition; Neoplastic Syndromes, Hereditary; Hereditary Cancer Syndrome; Hereditary neoplastic syndrome. Identifiers: Orphanet 140162, MedGen C0027672, MeSH D009386, MONDO:0015356.

Allele frequency attached by ClinVar (database versions not stated): ExAC 0.00001.

Submissions (2):

Ambry Genetics
Classification: Uncertain significance for Hereditary cancer-predisposing syndrome. Last evaluated: 2026-02-11. Review status: criteria provided, single submitter. Criteria: Ambry Variant Classification Scheme 2023. Collection method: clinical testing. Allele origin: germline.
Comment: The c.1051+5G>A intronic variant results from a G to A substitution 5 nucleotides after coding exon 7 in the RAD50 gene. This nucleotide position is well conserved in available vertebrate species. In silico splice site analysis predicts that this alteration will weaken the native splice donor site. Based on the available evidence, the clinical significance of this variant remains unclear.

Labcorp Genetics (formerly Invitae), Labcorp
Classification: Uncertain significance for Hereditary cancer-predisposing syndrome. Last evaluated: 2023-08-01. Review status: criteria provided, single submitter. Criteria: Invitae Variant Classification Sherloc (09022015). Collection method: clinical testing. Allele origin: germline.
Comment: In summary, the available evidence is currently insufficient to determine the role of this variant in disease. Therefore, it has been classified as a Variant of Uncertain Significance. Variants that disrupt the consensus splice site are a relatively common cause of aberrant splicing (PMID: 17576681, 9536098). Studies have shown that this variant results in activation of a cryptic splice site and introduces a premature termination codon (Invitae). The resulting mRNA is expected to undergo nonsense-mediated decay. ClinVar contains an entry for this variant (Variation ID: 822077). This variant has not been reported in the literature in individuals affected with RAD50-related conditions. This variant is not present in population databases (gnomAD no frequency). This sequence change falls in intron 7 of the RAD50 gene. It does not directly change the encoded amino acid sequence of the RAD50 protein. RNA analysis indicates that this variant induces altered splicing and may result in an absent or disrupted protein product.

Literature cited by the submitters: PubMed 17576681 (cited by Labcorp Genetics (formerly Invitae), Labcorp); PubMed 9536098 (cited by Labcorp Genetics (formerly Invitae), Labcorp).